The following is an entry in ClinVar:

ClinVar aggregate classification (germline): Uncertain significance (1 of 4 stars; one submission).

Conditions:
RASopathy. Also called: Noonan spectrum disorder; rasopathies. Identifiers: Orphanet 536391, MedGen C5555857, MONDO:0021060.

Allele frequency attached by ClinVar (database versions not stated): gnomAD exomes below 0.00001; TOPMed below 0.00001.

Submission:

Labcorp Genetics (formerly Invitae), Labcorp
Classification: Uncertain significance for RASopathy. Last evaluated: 2024-07-21. Review status: criteria provided, single submitter. Criteria: Invitae Variant Classification Sherloc (09022015). Collection method: clinical testing. Allele origin: germline.
Comment: This sequence change replaces lysine, which is basic and polar, with arginine, which is basic and polar, at codon 55 of the PTPN11 protein (p.Lys55Arg). This variant is not present in population databases (gnomAD no frequency). This variant has not been reported in the literature in individuals affected with PTPN11-related conditions. ClinVar contains an entry for this variant (Variation ID: 1397955). Advanced modeling of protein sequence and biophysical properties (such as structural, functional, and spatial information, amino acid conservation, physicochemical variation, residue mobility, and thermodynamic stability) performed at Invitae indicates that this missense variant is expected to disrupt PTPN11 protein function with a positive predictive value of 95%. In summary, the available evidence is currently insufficient to determine the role of this variant in disease. Therefore, it has been classified as a Variant of Uncertain Significance.

NM_002834.5(PTPN11):c.164A>G (p.Lys55Arg)

Gene: PTPN11 (protein tyrosine phosphatase non-receptor type 11; plus strand). Cytogenetic location: 12q24.13.
Variant type: single nucleotide variant.
Coding change: c.164A>G on transcript NM_002834.5 (MANE Select); coding-DNA position 164, A replaced by G.
Protein change: p.Lys55Arg; replaces lysine 55 with arginine.
Molecular consequence: missense variant.
Genome position (GRCh38, 1-based): chr12:112,450,344, A>G. VCF-style: chr12-112450344-A-G. GRCh37 (hg19) VCF-style: chr12-112888148-A-G.
Other names: c.164A>G, p.Lys55Arg (NM_001330437.2, NM_080601.3); c.161A>G, p.Lys54Arg (NM_001374625.1); short protein forms K55R, K54R.
Identifiers: ClinVar variation 1397955 (VCV001397955.6), dbSNP rs1261667540, ClinGen allele CA386777492.